The following is an entry in ClinVar:

ClinVar aggregate classification (germline): Benign/Likely benign. Review status: criteria provided, multiple submitters, no conflicts (2 of 4 stars). 5 submissions from 5 submitters: Benign (1); Likely benign (4). Last evaluated 2026-06-05.

Conditions:
Hereditary cancer-predisposing syndrome. Also called: Neoplastic Syndromes, Hereditary; Hereditary Cancer Syndrome; Tumor predisposition; Hereditary neoplastic syndrome. Identifiers: Orphanet 140162, MedGen C0027672, MeSH D009386, MONDO:0015356.
Gastrointestinal stromal tumor. Also called: Gastrointestinal stromal tumor, somatic; Gastrointestinal stroma tumor. Identifiers: Orphanet 44890, MedGen C0238198, MeSH D046152, MONDO:0011719, OMIM 606764, HP:0100723.

Allele frequency attached by ClinVar (database versions not stated): gnomAD exomes below 0.00001 and 0.00001; ExAC 0.00002; gnomAD 0.00002; TOPMed 0.00003; ESP Exome Variant Server 0.00008.
gnomAD v4.1: 7 of 1,613,626 alleles (0.00043%); highest among the groups gnomAD compares: African/African-American, 0.0053%; no homozygotes.

Submissions (5):

Myriad Genetics, Inc.
Classification: Benign for Gastrointestinal stromal tumor. Last evaluated: 2026-06-05. Review status: criteria provided, single submitter. Criteria: Myriad Autosomal Dominant, Autosomal Recessive and X-Linked Classification Criteria (2023). Collection method: clinical testing. Allele origin: unknown.
Comment: This variant is considered benign. This variant is a silent/synonymous amino acid change and it is not expected to impact splicing.

Labcorp Genetics (formerly Invitae), Labcorp
Classification: Likely benign for Gastrointestinal stromal tumor. Last evaluated: 2025-12-03. Review status: criteria provided, single submitter. Criteria: Invitae Variant Classification Sherloc (09022015). Collection method: clinical testing. Allele origin: germline.

CeGaT Center for Human Genetics Tuebingen
Classification: Likely benign. Last evaluated: 2022-05-01. Review status: criteria provided, single submitter. Criteria: CeGaT Center For Human Genetics Tuebingen Variant Classification Criteria Version 2. Collection method: clinical testing. Allele origin: germline. Affected: yes. Observed: 1 variant allele.
Comment: KIT: BP4, BP7

Blueprint Genetics
Classification: Likely benign. Last evaluated: 2022-03-25. Review status: criteria provided, single submitter. Criteria: ACMG Guidelines, 2015. Collection method: clinical testing. Allele origin: germline.

Ambry Genetics
Classification: Likely benign for Hereditary cancer-predisposing syndrome. Last evaluated: 2022-03-12. Review status: criteria provided, single submitter. Criteria: Ambry Variant Classification Scheme 2023. Collection method: clinical testing. Allele origin: germline.

NM_000222.3(KIT):c.2577T>C (p.Leu859=)

Gene: KIT (KIT proto-oncogene, receptor tyrosine kinase; plus strand). Cytogenetic location: 4q12.
Variant type: single nucleotide variant.
Coding change: c.2577T>C on transcript NM_000222.3 (MANE Select); coding-DNA position 2577, T replaced by C.
Protein change: p.Leu859=; no amino-acid change (leucine 859 retained).
Molecular consequence: synonymous variant.
Genome position (GRCh38, 1-based): chr4:54,736,590, T>C. VCF-style: chr4-54736590-T-C. GRCh37 (hg19) VCF-style: chr4-55602756-T-C.
Other names: c.2565T>C, p.Leu855= (NM_001093772.2, NM_001385292.1); c.2580T>C, p.Leu860= (NM_001385284.1); c.2574T>C, p.Leu858= (NM_001385285.1); c.2562T>C, p.Leu854= (NM_001385286.1); c.2568T>C, p.Leu856= (NM_001385288.1); c.2577T>C, p.Leu859= (NM_001385290.1).
Identifiers: ClinVar variation 528677 (VCV000528677.39), dbSNP rs371058716, ClinGen allele CA2923794.